The following is an entry in ClinVar:

NM_015294.6(TRIM37):c.1570T>G (p.Tyr524Asp)

Gene: TRIM37 (tripartite motif containing 37; minus strand). Cytogenetic location: 17q22.
Variant type: single nucleotide variant.
Coding change: c.1570T>G on transcript NM_015294.6 (MANE Select); coding-DNA position 1570, T replaced by G.
Protein change: p.Tyr524Asp; replaces tyrosine 524 with aspartic acid.
Molecular consequence: missense variant. On other transcripts: non-coding transcript variant (2).
Genome position (GRCh38, 1-based): chr17:59,047,780, A>C on the plus strand (T>G on the coding strand, the complement: TRIM37 is on the minus strand). VCF-style: chr17-59047780-A-C. GRCh37 (hg19) VCF-style: chr17-57125141-A-C.
Other names: c.1570T>G (NM_015294.3); c.1570T>G, p.Tyr524Asp (NM_001005207.5, NM_001320988.3, NM_001320989.3 and 1 more transcripts); c.1468T>G, p.Tyr490Asp (NM_001320987.3, NM_001353082.2); c.1204T>G, p.Tyr402Asp (NM_001320990.3); c.835T>G, p.Tyr279Asp (NM_001353083.2); c.1108T>G, p.Tyr370Asp (NM_001353085.2); c.1519T>G, p.Tyr507Asp (NM_001353086.2); short protein forms Y370D, Y490D, Y279D, Y402D, Y507D, Y524D.
Identifiers: ClinVar variation 1439202 (VCV001439202.36), dbSNP rs143097255, ClinGen allele CA8678263.

ClinVar aggregate classification (germline): Uncertain significance. Review status: criteria provided, multiple submitters, no conflicts (2 of 4 stars). 3 submissions from 3 submitters: Uncertain significance (3). Last evaluated 2024-10-28.

Conditions:
Inborn genetic diseases. Identifiers: MedGen C0950123, MeSH D030342.

Allele frequency attached by ClinVar (database versions not stated): ExAC 0.00003; gnomAD exomes 0.00008; gnomAD 0.00018 and 0.00019; TOPMed 0.00022; ESP Exome Variant Server 0.00023.
gnomAD v4.1: 81 of 1,614,140 alleles (0.005%); highest among the groups gnomAD compares: Middle Eastern, 0.066%; 1 homozygote.

Submissions (3):

Labcorp Genetics (formerly Invitae), Labcorp
Classification: Uncertain significance. Last evaluated: 2024-10-28. Review status: criteria provided, single submitter. Criteria: Invitae Variant Classification Sherloc (09022015). Collection method: clinical testing. Allele origin: germline.
Comment: This sequence change replaces tyrosine with aspartic acid at codon 524 of the TRIM37 protein (p.Tyr524Asp). The tyrosine residue is weakly conserved and there is a large physicochemical difference between tyrosine and aspartic acid. This variant is present in population databases (rs143097255, gnomAD 0.02%). This variant has not been reported in the literature in individuals affected with TRIM37-related conditions. ClinVar contains an entry for this variant (Variation ID: 1439202). Invitae Evidence Modeling of protein sequence and biophysical properties (such as structural, functional, and spatial information, amino acid conservation, physicochemical variation, residue mobility, and thermodynamic stability) indicates that this missense variant is not expected to disrupt TRIM37 protein function with a negative predictive value of 80%. In summary, the available evidence is currently insufficient to determine the role of this variant in disease. Therefore, it has been classified as a Variant of Uncertain Significance.

Ambry Genetics
Classification: Uncertain significance for Inborn genetic diseases. Last evaluated: 2024-10-12. Review status: criteria provided, single submitter. Criteria: Ambry Variant Classification Scheme 2023. Collection method: clinical testing. Allele origin: germline.

CeGaT Center for Human Genetics Tuebingen
Classification: Uncertain significance. Last evaluated: 2022-06-01. Review status: criteria provided, single submitter. Criteria: CeGaT Center For Human Genetics Tuebingen Variant Classification Criteria Version 2. Collection method: clinical testing. Allele origin: germline. Affected: yes. Observed: 1 variant allele.
Comment: TRIM37: PM2